The following is an entry in ClinVar:

NM_005562.3(LAMC2):c.1907del (p.Lys636fs)

Gene: LAMC2 (laminin subunit gamma 2; plus strand). Cytogenetic location: 1q25.3.
Variant type: Deletion.
Coding change: c.1907del on transcript NM_005562.3 (MANE Select); coding-DNA position 1907, one base deleted (A; older notation c.1907delA).
Protein change: p.Lys636fs; shifts the reading frame from lysine 636.
Molecular consequence: frameshift variant.
Genome position (GRCh38, 1-based): chr1:183,232,236, A deleted; the last of 3 consecutive A bases (chr1:183,232,234-183,232,236); deleting any one gives the same sequence. VCF-style (leftmost placement, unchanged base first): chr1-183232233-CA-C. GRCh37 (hg19) VCF-style: chr1-183201368-CA-C.
Other names: c.1907del, p.Lys636fs (NM_018891.3); short protein forms K636fs.
Identifiers: ClinVar variation 1726016 (VCV001726016.2), dbSNP rs2526088480, ClinGen allele CA2580061722.
Genomic context (GRCh38, chr1:183,232,233, plus strand): 5'-CTGTGTGGTTTCAGATGGATCAGTTTATGCAGCAGCTTCAGAGAATGGAGGCCCTGATTT[CA>C]AAGGCTCAGGGTGGTGATGGAGTAGTACCTGATACAGAGCTGGAAGGCAGGATGCAGCAG-3'

ClinVar aggregate classification (germline): Likely pathogenic (1 of 4 stars; one submission).

Conditions:
Junctional epidermolysis bullosa gravis of Herlitz. Also called: Herlitz-type junctional epidermolysis bullosa; EPIDERMOLYSIS BULLOSA, JUNCTIONAL 1B, SEVERE; EPIDERMOLYSIS BULLOSA JUNCTIONALIS, HERLITZ TYPE; EPIDERMOLYSIS BULLOSA, JUNCTIONAL, HERLITZ-PEARSON TYPE; JEB-HERLITZ TYPE; Epidermolysis Bullosa Letalis. Identifiers: Orphanet 79404, MedGen C0079683, MONDO:0009182, OMIM 226700.

Submission:

Myriad Genetics, Inc.
Classification: Likely pathogenic for Junctional epidermolysis bullosa gravis of Herlitz. Last evaluated: 2022-05-04. Review status: criteria provided, single submitter. Criteria: Myriad Women's Health Autosomal Recessive and X-Linked Classification Criteria (2021). Collection method: clinical testing. Allele origin: unknown.
Comment: NM_005562.2(LAMC2):c.1907delA(K636Rfs*8) is expected to be pathogenic in the context of junctional epidermolysis bullosa, LAMC2-related. This variant is predicted to lead to an abnormal or absent protein product due to the creation of a premature termination codon in LAMC2, a gene where loss-of-function variants are known to be pathogenic. Please note: this variant was assessed in the context of healthy population screening.